The following is an entry in ClinVar:

ClinVar aggregate classification (germline): Conflicting classifications of pathogenicity. Review status: criteria provided, conflicting classifications (1 of 4 stars). 5 submissions from 3 submitters: Uncertain significance (1); Likely benign (4). Last evaluated 2025-12-03.

Conditions:
Thrombophilia due to thrombin defect (THPH1). Also called: Thrombosis susceptibility; THROMBOPHILIA DUE TO FACTOR 2 DEFECT; Prothrombin-Related Thrombophilia (Factor II); Prothrombin Thrombophilia. Identifiers: MedGen C3160733, MONDO:0008559, OMIM 188050. Disease mechanism: gain of function, loss of function.
Congenital factor V deficiency. Also called: Hereditary factor V deficiency disease; LABILE FACTOR DEFICIENCY; PARAHEMOPHILIA; OWREN PARAHEMOPHILIA. Identifiers: Orphanet 326, MedGen C0015499, MONDO:0009210, OMIM 227400.
Factor V deficiency. Also called: Reduced coagulation factor V activity. Identifiers: Orphanet 326, MedGen C4317320, MONDO:0020586, HP:0003225.
Budd-Chiari syndrome (BDCHS). Also called: Hepatic vein obstruction. Identifiers: Orphanet 131, MedGen C0856761, MONDO:0010947, OMIM 600880, HP:0002639.

Allele frequency attached by ClinVar (database versions not stated): gnomAD exomes 0.00037; ExAC 0.00051; 1000 Genomes Project 0.00120; 1000 Genomes Project 30x 0.00125; gnomAD 0.00127 and 0.00142; ESP Exome Variant Server 0.00223.
gnomAD v4.1: 374 of 1,590,754 alleles (0.024%); highest among the groups gnomAD compares: African/African-American, 0.47%; 1 homozygote.

Submissions (5):

Labcorp Genetics (formerly Invitae), Labcorp
Classification: Likely benign for Congenital factor V deficiency. Last evaluated: 2025-12-03. Review status: criteria provided, single submitter. Criteria: Invitae Variant Classification Sherloc (09022015). Collection method: clinical testing. Allele origin: germline.

Mayo Clinic Laboratories, Mayo Clinic
Classification: Likely benign. Last evaluated: 2025-10-23. Review status: criteria provided, single submitter. Criteria: ACMG Guidelines, 2015. Collection method: clinical testing. Allele origin: germline. Observed: 1 variant allele.
Comment: BS1, BP4_moderate

Illumina Laboratory Services, Illumina
Classification: Likely benign for Congenital factor V deficiency. Last evaluated: 2018-01-12. Review status: criteria provided, single submitter. Criteria: ICSL Variant Classification Criteria 13 December 2019. Collection method: clinical testing. Allele origin: germline.
Comment: This variant was observed in the ICSL laboratory as part of a predisposition screen in an ostensibly healthy population. It had not been previously curated by ICSL or reported in the Human Gene Mutation Database (HGMD: prior to June 1st, 2018), and was therefore a candidate for classification through an automated scoring system. Utilizing variant allele frequency, disease prevalence and penetrance estimates, and inheritance mode, an automated score was calculated to assess if this variant is too frequent to cause the disease. Based on the score and internal cut-off values, a variant classified as likely benign is not then subjected to further curation. The score for this variant resulted in a classification of likely benign for this disease.

Illumina Laboratory Services, Illumina
Classification: Likely benign for Venous thrombosis. Last evaluated: 2018-01-12. Review status: criteria provided, single submitter. Criteria: ICSL Variant Classification Criteria 13 December 2019. Collection method: clinical testing. Allele origin: germline.
Comment: the same text as in the submission from Illumina Laboratory Services, Illumina above.

Illumina Laboratory Services, Illumina
Classification: Uncertain significance for Budd-Chiari syndrome. Last evaluated: 2018-01-12. Review status: criteria provided, single submitter. Criteria: ICSL Variant Classification Criteria 13 December 2019. Collection method: clinical testing. Allele origin: germline.

NM_000130.5(F5):c.3851C>T (p.Thr1284Ile)

Gene: F5 (coagulation factor V; minus strand). Cytogenetic location: 1q24.2.
Variant type: single nucleotide variant.
Coding change: c.3851C>T on transcript NM_000130.5 (MANE Select); coding-DNA position 3851, C replaced by T.
Protein change: p.Thr1284Ile; replaces threonine 1284 with isoleucine.
Molecular consequence: missense variant.
Genome position (GRCh38, 1-based): chr1:169,541,239, G>A on the plus strand (C>T on the coding strand, the complement: F5 is on the minus strand). VCF-style: chr1-169541239-G-A. GRCh37 (hg19) VCF-style: chr1-169510477-G-A.
Other names: p.Thr1284Ile; short protein forms T1284I.
Identifiers: ClinVar variation 293603 (VCV000293603.14), dbSNP rs139573207, ClinGen allele CA1233810.